The following is an entry in ClinVar:

NM_206937.2(LIG4):c.1982A>C (p.Asp661Ala)

Gene: LIG4 (DNA ligase 4; minus strand). Cytogenetic location: 13q33.3.
Variant type: single nucleotide variant.
Coding change: c.1982A>C on transcript NM_206937.2 (MANE Select); coding-DNA position 1982, A replaced by C.
Protein change: p.Asp661Ala; replaces aspartic acid 661 with alanine.
Molecular consequence: missense variant.
Genome position (GRCh38, 1-based): chr13:108,209,287, T>G on the plus strand (A>C on the coding strand, the complement: LIG4 is on the minus strand). VCF-style: chr13-108209287-T-G. GRCh37 (hg19) VCF-style: chr13-108861635-T-G.
Other names: c.1982A>C, p.Asp661Ala (NM_001098268.2, NM_001352598.2, NM_001352599.2 and 6 more transcripts); c.1781A>C, p.Asp594Ala (NM_001330595.2); c.2018A>C, p.Asp673Ala (NM_001352604.2); short protein forms D661A, D594A, D673A.
Identifiers: ClinVar variation 657996 (VCV000657996.8), dbSNP rs1391488834, ClinGen allele CA388614822.

ClinVar aggregate classification (germline): Uncertain significance (1 of 4 stars; one submission).

Conditions:
DNA ligase IV deficiency. Identifiers: Orphanet 99812, MedGen C1847827, MONDO:0011686, OMIM 606593.

Submission:

Labcorp Genetics (formerly Invitae), Labcorp
Classification: Uncertain significance for DNA ligase IV deficiency. Last evaluated: 2018-12-15. Review status: criteria provided, single submitter. Criteria: Invitae Variant Classification Sherloc (09022015). Collection method: clinical testing. Allele origin: germline.
Comment: This variant has not been reported in the literature in individuals with LIG4-related conditions. This variant is not present in population databases (ExAC no frequency). This sequence change replaces aspartic acid with alanine at codon 661 of the LIG4 protein (p.Asp661Ala). The aspartic acid residue is moderately conserved and there is a moderate physicochemical difference between aspartic acid and alanine. Algorithms developed to predict the effect of missense changes on protein structure and function (SIFT, PolyPhen-2, Align-GVGD) all suggest that this variant is likely to be tolerated, but these predictions have not been confirmed by published functional studies and their clinical significance is uncertain. In summary, the available evidence is currently insufficient to determine the role of this variant in disease. Therefore, it has been classified as a Variant of Uncertain Significance.